The following is an entry in ClinVar:

ClinVar aggregate classification (germline): Uncertain significance (1 of 4 stars; one submission).

Submission:

Labcorp Genetics (formerly Invitae), Labcorp
Classification: Uncertain significance. Last evaluated: 2022-05-21. Review status: criteria provided, single submitter. Criteria: Invitae Variant Classification Sherloc (09022015). Collection method: clinical testing. Allele origin: germline.
Comment: This variant, c.7260_7262del, results in the deletion of 1 amino acid(s) of the PCLO protein (p.Pro2426del), but otherwise preserves the integrity of the reading frame. The frequency data for this variant in the population databases is considered unreliable, as metrics indicate poor data quality at this position in the gnomAD database. This variant has not been reported in the literature in individuals affected with PCLO-related conditions. Experimental studies and prediction algorithms are not available or were not evaluated, and the functional significance of this variant is currently unknown. In summary, the available evidence is currently insufficient to determine the role of this variant in disease. Therefore, it has been classified as a Variant of Uncertain Significance.

NM_033026.6(PCLO):c.7254ACC[2] (p.Pro2426del)

Gene: PCLO (piccolo presynaptic cytomatrix protein; minus strand). Cytogenetic location: 7q21.11.
Variant type: Microsatellite.
Coding change: c.7254ACC[2] on transcript NM_033026.6 (MANE Select); two copies in a row of the 3-base unit ACC starting at c.7254; the reference has three copies in a row; one copy, 3 bases deleted.
Protein change: p.Pro2426del; deletes proline 2426.
Molecular consequence: inframe deletion.
Genome position (GRCh38, 1-based): chr7:82,953,691-82,953,693, GGT deleted on the plus strand (ACC on the coding strand, the reverse complement: PCLO is on the minus strand); deleting any 3 consecutive bases within chr7:82,953,691-82,953,701 gives the same sequence; the position shown is the placement nearest the transcript's 3' end. VCF-style (leftmost placement, unchanged base first): chr7-82953690-GGGT-G. GRCh37 (hg19) VCF-style: chr7-82583006-GGGT-G.
Other names: c.7254ACC[2], p.Pro2426del (NM_014510.3); short protein forms P2426del.
Identifiers: ClinVar variation 2176430 (VCV002176430.1), dbSNP rs1239637512, ClinGen allele CA576266791.